The following is an entry in ClinVar:

ClinVar aggregate classification (germline): Pathogenic (1 of 4 stars; one submission).

Submission:

GeneDx
Classification: Pathogenic. Last evaluated: 2018-08-09. Review status: criteria provided, single submitter. Criteria: GeneDx Variant Classification (06012015). Collection method: clinical testing. Allele origin: germline. Affected: yes.
Comment: The c.1429_1442dup14 pathogenic variant in the FOXP1 gene causes a frameshift starting with codon Glutamic acid, changes this amino acid to a Phenylalanine residue and creates a premature Stop codon at position 9 of the new reading frame, denoted p.Glu483PhefsX9. This pathogenic variant is predicted to cause loss of normal protein function either through protein truncation or nonsense-mediated mRNA decay. The c.1429_1442dup14 variant is not observed in large population cohorts (Lek et al., 2016).

NM_001349338.3(FOXP1):c.1429_1442dup (p.Glu483fs)

Genes: FOXP1 (forkhead box P1; minus strand), LOC126806714 (BRD4-independent group 4 enhancer GRCh37_chr3:71025197-71026396; plus strand). Cytogenetic location: 3p13.
Variant type: Duplication.
Coding change: c.1429_1442dup on transcript NM_001349338.3 (MANE Select); coding-DNA positions 1429 to 1442, 14 bases duplicated (GCCATTCTCGAATC).
Protein change: p.Glu483fs; shifts the reading frame from glutamic acid 483.
Molecular consequence: frameshift variant. On other transcripts: non-coding transcript variant (2).
Genome position (GRCh38, 1-based): chr3:70,977,029-70,977,042, GATTCGAGAATGGC duplicated on the plus strand (GCCATTCTCGAATC on the coding strand, the reverse complement: FOXP1 is on the minus strand). VCF-style (leftmost placement, unchanged base first): chr3-70977028-A-AGATTCGAGAATGGC. GRCh37 (hg19) VCF-style: chr3-71026179-A-AGATTCGAGAATGGC.
Other names: c.1426_1439dup, p.Glu482fs (NM_001244808.3, NM_001349341.3); c.1429_1442dup, p.Glu483fs (NM_001244810.2, NM_001244814.3, NM_001244816.2 and 2 more transcripts); c.1201_1214dup, p.Glu407fs (NM_001244812.3); c.1129_1142dup, p.Glu383fs (NM_001244813.3, NM_001244815.2, NM_001349342.3); c.1126_1139dup, p.Glu382fs (NM_001349337.2, NM_001349343.3, NM_001349344.3 and 1 more transcripts); short protein forms E483fs, E383fs, E407fs, E482fs, E382fs.
Identifiers: ClinVar variation 817189 (VCV000817189.1), dbSNP rs1575798009, ClinGen allele CA915942968.